The following is an entry in ClinVar:

NM_006231.4(POLE):c.5500G>C (p.Asp1834His)

Gene: POLE (DNA polymerase epsilon, catalytic subunit; minus strand). Cytogenetic location: 12q24.33.
Variant type: single nucleotide variant.
Coding change: c.5500G>C on transcript NM_006231.4 (MANE Select); coding-DNA position 5500, G replaced by C.
Protein change: p.Asp1834His; replaces aspartic acid 1834 with histidine.
Molecular consequence: missense variant.
Genome position (GRCh38, 1-based): chr12:132,639,177, C>G on the plus strand (G>C on the coding strand, the complement: POLE is on the minus strand). VCF-style: chr12-132639177-C-G. GRCh37 (hg19) VCF-style: chr12-133215763-C-G.
Other names: c.5500G>C (NM_006231.2); short protein forms D1834H.
Identifiers: ClinVar variation 1039473 (VCV001039473.7), dbSNP rs1459159683, ClinGen allele CA387374639.

ClinVar aggregate classification (germline): Uncertain significance. Review status: criteria provided, multiple submitters, no conflicts (2 of 4 stars). 2 submissions from 2 submitters: Uncertain significance (2). Last evaluated 2024-08-06.

Conditions:
Hereditary cancer-predisposing syndrome. Also called: Neoplastic Syndromes, Hereditary; Hereditary Cancer Syndrome; Tumor predisposition; Hereditary neoplastic syndrome. Identifiers: Orphanet 140162, MedGen C0027672, MeSH D009386, MONDO:0015356.

Allele frequency attached by ClinVar (database versions not stated): gnomAD exomes below 0.00001.
gnomAD v4.1: 1 of 1,614,092 alleles (0.000062%); highest among the groups gnomAD compares: Non-Finnish European, 0.000085%; no homozygotes.

Submissions (2):

Labcorp Genetics (formerly Invitae), Labcorp
Classification: Uncertain significance. Last evaluated: 2024-08-06. Review status: criteria provided, single submitter. Criteria: Invitae Variant Classification Sherloc (09022015). Collection method: clinical testing. Allele origin: germline.
Comment: This sequence change replaces aspartic acid, which is acidic and polar, with histidine, which is basic and polar, at codon 1834 of the POLE protein (p.Asp1834His). This variant is present in population databases (no rsID available, gnomAD 0.0009%). This variant has not been reported in the literature in individuals affected with POLE-related conditions. ClinVar contains an entry for this variant (Variation ID: 1039473). Advanced modeling of protein sequence and biophysical properties (such as structural, functional, and spatial information, amino acid conservation, physicochemical variation, residue mobility, and thermodynamic stability) performed at Invitae indicates that this missense variant is not expected to disrupt POLE protein function with a negative predictive value of 80%. In summary, the available evidence is currently insufficient to determine the role of this variant in disease. Therefore, it has been classified as a Variant of Uncertain Significance.

Ambry Genetics
Classification: Uncertain significance for Hereditary cancer-predisposing syndrome. Last evaluated: 2024-01-25. Review status: criteria provided, single submitter. Criteria: Ambry Variant Classification Scheme 2023. Collection method: clinical testing. Allele origin: germline.
Comment: The p.D1834H variant (also known as c.5500G>C), located in coding exon 40 of the POLE gene, results from a G to C substitution at nucleotide position 5500. The aspartic acid at codon 1834 is replaced by histidine, an amino acid with similar properties. This amino acid position is conserved. In addition, this alteration is predicted to be deleterious by in silico analysis. Based on the available evidence, the clinical significance of this alteration remains unclear.